The following is an entry in ClinVar:

ClinVar aggregate classification (germline): Conflicting classifications of pathogenicity. Review status: criteria provided, conflicting classifications (1 of 4 stars). 8 submissions from 8 submitters: Pathogenic (2); Likely pathogenic (3); Uncertain significance (1). 2 of the submissions do not count toward it. Last evaluated 2025-12-28.

Conditions:
LIPE-related disorder. Also called: LIPE-related condition.
Lipodystrophy - childhood onset.
LIPE-related familial partial lipodystrophy. Also called: LIPODYSTROPHY, FAMILIAL PARTIAL, ASSOCIATED WITH LIPE MUTATIONS; Familial partial lipodystrophy 6. Identifiers: Orphanet 435660, MedGen C4014869, MONDO:0014431, OMIM 615980.

Submissions (8):

First Genomix Gene Laboratory, Genetic Diagnostics Department
Classification: Pathogenic for LIPE-related familial partial lipodystrophy. Last evaluated: 2025-12-28. Review status: criteria provided, single submitter. Criteria: ACMG Guidelines, 2015. Collection method: clinical testing. Allele origin: germline. Inheritance: Autosomal recessive inheritance. Affected: no. Observed: 1 variant allele.

Cambridge Genomics Laboratory, East Genomic Laboratory Hub, NHS Genomic Medicine Service
Classification: Likely pathogenic for Lipodystrophy - childhood onset. Last evaluated: 2024-10-31. Review status: criteria provided, single submitter. Criteria: ACGS Best Practice Guidelines for Variant Classification in Rare Disease 2020. Collection method: clinical testing. Allele origin: germline. Affected: yes.
Comment: PVS1_Strong,PS3_Supporting,PP1_Strong

Women's Health and Genetics/Laboratory Corporation of America, LabCorp
Classification: Likely pathogenic for LIPE-related familial partial lipodystrophy. Last evaluated: 2023-12-01. Review status: criteria provided, single submitter. Criteria: LabCorp Variant Classification Summary - May 2015. Collection method: clinical testing. Allele origin: germline.
Comment: Variant summary: LIPE c.3203_3221del19 (p.Val1068GlyfsX102) causes a frameshift which results in an extension of the protein and is not expected to undergo nonsense mediated decay. The variant allele was found at a frequency of 0.00048 in 1479348 control chromosomes in the gnomAD database, including 1 homozygote. Notably, it is found at a frequency of 0.024 within individuals of Amish ancestry. c.3203_3221del19 has been reported in the literature in the homozygous state in four siblings with clinical features of LIPE-Related Familial Partial Lipodystrophy from an Old Order Amish family where the variant primarily segregated with the disease phenotype amongst a total of ten siblings (Albert_2014). The variant has also been reported either in the heterozygous state or as an uninformative genotype in at least two other individuals with low HDL cholesterol/dyslipidemia who underwent WES/multigene panel testing (e.g. Dron_2020, Dong_2022). These data indicate that the variant is very likely to be associated with disease. At least one publication reports experimental evidence evaluating an impact on protein function (Albert_2014). In vitro, the variant was not found to significantly affect mRNA expression, but resulted in reduced protein levels. Additionally, in subcutaneous abdominal adipocytes from homozygous individuals, no protein was detected and triglyceride lipase activity and cholesterol ester hydrolase activity were reduced compared to wild type individuals and heterozygous carriers. The following publications have been ascertained in the context of this evaluation (PMID: 24848981, 35460704, 32041611). Three submitters have cited clinical-significance assessments for this variant to ClinVar after 2014. All submitters classified the variant as pathogenic/likely pathogenic. Based on the evidence outlined above, the variant was classified as likely pathogenic.

Department of Pathology and Laboratory Medicine, Sinai Health System
Classification: Uncertain significance for LIPE-related familial partial lipodystrophy. Last evaluated: 2023-06-28. Review status: criteria provided, single submitter. Criteria: ACMG Guidelines, 2015. Collection method: research. Allele origin: germline.

Mendelics
Classification: Pathogenic for LIPE-related familial partial lipodystrophy. Last evaluated: 2023-03-24. Review status: criteria provided, single submitter. Criteria: Mendelics Assertion Criteria 2017. Collection method: clinical testing. Allele origin: unknown.

Genetic Services Laboratory, University of Chicago
Classification: Likely pathogenic for Lipodystrophy, familial partial, type 6. Last evaluated: 2016-06-02. Review status: criteria provided, single submitter. Criteria: ACMG Guidelines, 2015. Collection method: clinical testing. Allele origin: germline. Affected: yes.

PreventionGenetics, part of Exact Sciences
Classification: Likely pathogenic for LIPE-related condition. Last evaluated: 2024-06-20. Review status: no assertion criteria provided. Collection method: clinical testing. Allele origin: germline. Not counted in ClinVar's aggregate classification.
Comment: The LIPE c.3203_3221del19 variant is predicted to result in a frameshift and premature protein termination (p.Val1068Glyfs*102). This variant has been reported in the homozygous state in four siblings from an Amish community with partial lipodystrophy (p.V767Gfs*102 in Albert et al. 2014. PubMed ID: 24848981). Albert et al. also found that heterozygous individuals did not display the same adipose-tissue dysfunction as homozygous individuals; however, they did present with a range of features including dyslipidemia, hepatic steatosis, and diabetes (Albert et al. 2014. PubMed ID: 24848981). In addition, other studies have suggested that this variant leads to an increased risk of hypertriglyceridemia and other types of dyslipidemia when found in the heterozygous state (Table S2 in Deshotels et al. 2022. PubMed ID: 36325899; Table S4 in Dron et al. 2020. PubMed ID: 32041611). Familial segregation data and biochemical studies support its pathogenicity (Albert et al. 2014. PubMed ID: 24848981). This variant is reported in 0.27% of alleles in individuals of Ashkenazi Jewish descent in gnomAD; however, the quality of the data at this position is questionable and should be interpreted with caution. Frameshift variants in LIPE are expected to be pathogenic. This variant is interpreted as likely pathogenic.

OMIM
Classification: Pathogenic for LIPODYSTROPHY, FAMILIAL PARTIAL, TYPE 6. Last evaluated: 2014-06-12. Review status: no assertion criteria provided. Collection method: literature only. Allele origin: germline. Not counted in ClinVar's aggregate classification.

Literature cited by the submitters: PubMed 32041611 (cited by Women's Health and Genetics/Laboratory Corporation of America, LabCorp); PubMed 35460704 (cited by Women's Health and Genetics/Laboratory Corporation of America, LabCorp); PubMed 24848981 (cited by Women's Health and Genetics/Laboratory Corporation of America, LabCorp and OMIM).

NM_005357.4(LIPE):c.3203_3221del (p.Val1068fs)

Genes: LIPE (lipase E, hormone sensitive type; minus strand), LIPE-AS1 (LIPE antisense RNA 1; plus strand), LOC101930071 (uncharacterized LOC101930071; plus strand). Cytogenetic location: 19q13.2.
Variant type: Deletion.
Coding change: c.3203_3221del on transcript NM_005357.4 (MANE Select); coding-DNA positions 3203 to 3221, 19 bases deleted (TAGACGGGGGCTGCGGGGG).
Protein change: p.Val1068fs; shifts the reading frame from valine 1068.
Molecular consequence: frameshift variant.
Genome position (GRCh38, 1-based): chr19:42,401,822-42,401,840, CCCCCGCAGCCCCCGTCTA deleted on the plus strand (TAGACGGGGGCTGCGGGGG on the coding strand, the reverse complement: LIPE is on the minus strand); deleting any 19 consecutive bases within chr19:42,401,822-42,401,858 gives the same sequence; the c. name uses the placement nearest the transcript's 3' end. VCF-style (leftmost placement, unchanged base first): chr19-42401821-CCCCCCGCAGCCCCCGTCTA-C. GRCh37 (hg19) VCF-style: chr19-42905973-CCCCCCGCAGCCCCCGTCTA-C.
Other names: c.3203_3221del19 (NM_005357.4, NM_005357.3); short protein forms V1068fs.
Identifiers: ClinVar variation 155901 (VCV000155901.16), dbSNP rs587777699, ClinGen allele CA170722.